The following is an entry in ClinVar:

ClinVar aggregate classification (germline): Uncertain significance. Review status: criteria provided, single submitter (1 of 4 stars). 2 submissions from 2 submitters: Uncertain significance (1). 1 of the submissions does not count toward it. Last evaluated 2024-01-31.

Conditions:
TRIM32-related disorder. Also called: TRIM32-related condition.
Bardet-Biedl syndrome (BBS). Identifiers: Orphanet 110, MedGen C0752166, MONDO:0015229.

gnomAD v4.1: 2 of 1,613,904 alleles (0.00012%); highest among the groups gnomAD compares: East Asian, 0.0022%; no homozygotes.

Submissions (2):

Labcorp Genetics (formerly Invitae), Labcorp
Classification: Uncertain significance for Bardet-Biedl syndrome. Last evaluated: 2024-01-31. Review status: criteria provided, single submitter. Criteria: Invitae Variant Classification Sherloc (09022015). Collection method: clinical testing. Allele origin: germline.
Comment: This sequence change replaces glycine, which is neutral and non-polar, with aspartic acid, which is acidic and polar, at codon 287 of the TRIM32 protein (p.Gly287Asp). This variant is not present in population databases (gnomAD no frequency). This variant has not been reported in the literature in individuals affected with TRIM32-related conditions. An algorithm developed to predict the effect of missense changes on protein structure and function (PolyPhen-2) suggests that this variant¬†is likely to be tolerated. In summary, the available evidence is currently insufficient to determine the role of this variant in disease. Therefore, it has been classified as a Variant of Uncertain Significance.

PreventionGenetics, part of Exact Sciences
Classification: Uncertain significance for TRIM32-related condition. Last evaluated: 2024-09-06. Review status: no assertion criteria provided. Collection method: clinical testing. Allele origin: germline. Not counted in ClinVar's aggregate classification.
Comment: The TRIM32 c.860G>A variant is predicted to result in the amino acid substitution p.Gly287Asp. To our knowledge, this variant has not been reported in the literature. This variant is reported in 0.00088% of alleles in individuals of European (Non-Finnish) descent in gnomAD. At this time, the clinical significance of this variant is uncertain due to the absence of conclusive functional and genetic evidence.

NM_012210.4(TRIM32):c.860G>A (p.Gly287Asp)

Genes: ASTN2 (astrotactin 2; minus strand), TRIM32 (tripartite motif containing 32; plus strand). Cytogenetic location: 9q33.1.
Variant type: single nucleotide variant.
Coding change: c.860G>A on transcript NM_012210.4 (MANE Select); coding-DNA position 860, G replaced by A.
Protein change: p.Gly287Asp; replaces glycine 287 with aspartic acid.
Molecular consequence: missense variant. On other transcripts: intron variant (3).
Genome position (GRCh38, 1-based): chr9:116,698,602, G>A. VCF-style: chr9-116698602-G-A. GRCh37 (hg19) VCF-style: chr9-119460881-G-A.
Other names: c.860G>A, p.Gly287Asp (NM_001099679.2, NM_001379048.1, NM_001379049.1 and 1 more transcripts); c.2653+27169C>T (NM_014010.5); c.2794+27169C>T (NM_001365069.1); c.2806+27169C>T (NM_001365068.1); short protein forms G287D.
Identifiers: ClinVar variation 3348829 (VCV003348829.2).